The following is an entry in ClinVar:

ClinVar aggregate classification (germline): Uncertain significance (1 of 4 stars; one submission).

Conditions:
Combined immunodeficiency due to OX40 deficiency. Also called: OX40 DEFICIENCY; Immunodeficiency 16. Identifiers: Orphanet 431149, MedGen C3810053, MONDO:0014268, OMIM 615593.

Submission:

Labcorp Genetics (formerly Invitae), Labcorp
Classification: Uncertain significance for Combined immunodeficiency due to OX40 deficiency. Last evaluated: 2022-10-23. Review status: criteria provided, single submitter. Criteria: Invitae Variant Classification Sherloc (09022015). Collection method: clinical testing. Allele origin: germline.
Comment: A copy number gain of the genomic region encompassing the full coding sequence of the TNFRSF4 gene has been identified. The boundaries of this event are unknown as they extend beyond the assayed region for this gene and therefore may encompass additional genes. As the precise location of this event is unknown, it may be in tandem or it may be located elsewhere in the genome. This variant has not been reported in the literature in individuals affected with TNFRSF4-related conditions. Experimental studies and prediction algorithms are not available or were not evaluated, and the functional significance of this variant is currently unknown. In summary, the available evidence is currently insufficient to determine the role of this variant in disease. Therefore, it has been classified as a Variant of Uncertain Significance.

NC_000001.10:g.(?_1146935)_(1168648_?)dup

Genes: B3GALT6 (beta-1,3-galactosyltransferase 6; plus strand), SDF4 (stromal cell derived factor 4; minus strand), TNFRSF4 (TNF receptor superfamily member 4; minus strand). Cytogenetic location: 1p36.33.
Variant type: Duplication.
Identifiers: ClinVar variation 2424672 (VCV002424672.3).